The following is an entry in ClinVar:

ClinVar aggregate classification (germline): Uncertain significance (1 of 4 stars; one submission).

Allele frequency attached by ClinVar (database versions not stated): gnomAD exomes below 0.00001; gnomAD 0.00001; TOPMed 0.00001.
gnomAD v4.1: 1 of 1,613,766 alleles (0.000062%); no homozygotes.

Submission:

Labcorp Genetics (formerly Invitae), Labcorp
Classification: Uncertain significance. Last evaluated: 2022-06-28. Review status: criteria provided, single submitter. Criteria: Invitae Variant Classification Sherloc (09022015). Collection method: clinical testing. Allele origin: germline.
Comment: This sequence change replaces isoleucine, which is neutral and non-polar, with valine, which is neutral and non-polar, at codon 801 of the CNGB3 protein (p.Ile801Val). This variant is present in population databases (no rsID available, gnomAD 0.007%). This variant has not been reported in the literature in individuals affected with CNGB3-related conditions. Advanced modeling of protein sequence and biophysical properties (such as structural, functional, and spatial information, amino acid conservation, physicochemical variation, residue mobility, and thermodynamic stability) performed at Invitae indicates that this missense variant is not expected to disrupt CNGB3 protein function. In summary, the available evidence is currently insufficient to determine the role of this variant in disease. Therefore, it has been classified as a Variant of Uncertain Significance.

NM_019098.5(CNGB3):c.2401A>G (p.Ile801Val)

Gene: CNGB3 (cyclic nucleotide gated channel subunit beta 3; minus strand). Cytogenetic location: 8q21.3.
Variant type: single nucleotide variant.
Coding change: c.2401A>G on transcript NM_019098.5 (MANE Select); coding-DNA position 2401, A replaced by G.
Protein change: p.Ile801Val; replaces isoleucine 801 with valine.
Molecular consequence: missense variant.
Genome position (GRCh38, 1-based): chr8:86,575,833, T>C on the plus strand (A>G on the coding strand, the complement: CNGB3 is on the minus strand). VCF-style: chr8-86575833-T-C. GRCh37 (hg19) VCF-style: chr8-87588061-T-C.
Other names: short protein forms I801V.
Identifiers: ClinVar variation 1497120 (VCV001497120.3), dbSNP rs1233691599, ClinGen allele CA371446019.
Genomic context (GRCh38, chr8:86,575,833, plus strand): 5'-AGCTATATCACATCTAAAGATAATCAAACATTTATTGCTTAGCCTTTTCTTTGACTTCAA[T>C]AGTAAGAACCTCTTCTCCGCCCTCAGCAGAAGGAGCCATGCTGATAATGAGTGATTGACG-3'
Protein context (NP_061971.3, residues 791-809): SAEGGEEVLT[Ile801Val]EVKEKAKQ